The following is an entry in ClinVar:

NM_017654.4(SAMD9):c.4214T>A (p.Val1405Glu)

Gene: SAMD9 (sterile alpha motif domain containing 9; minus strand). Cytogenetic location: 7q21.2.
Variant type: single nucleotide variant.
Coding change: c.4214T>A on transcript NM_017654.4 (MANE Select); coding-DNA position 4214, T replaced by A.
Protein change: p.Val1405Glu; replaces valine 1405 with glutamic acid.
Molecular consequence: missense variant.
Genome position (GRCh38, 1-based): chr7:93,101,884, A>T on the plus strand (T>A on the coding strand, the complement: SAMD9 is on the minus strand). VCF-style: chr7-93101884-A-T. GRCh37 (hg19) VCF-style: chr7-92731197-A-T.
Other names: c.4214T>A, p.Val1405Glu (NM_001193307.2); short protein forms V1405E.
Identifiers: ClinVar variation 4629814 (VCV004629814.1).

ClinVar aggregate classification (germline): Uncertain significance (1 of 4 stars; one submission).

Conditions:
Inborn genetic diseases. Identifiers: MedGen C0950123, MeSH D030342.

Submission:

Ambry Genetics
Classification: Uncertain significance for Inborn genetic diseases. Last evaluated: 2025-09-21. Review status: criteria provided, single submitter. Criteria: Ambry Variant Classification Scheme 2023. Collection method: clinical testing. Allele origin: germline.
Comment: The p.V1405E variant (also known as c.4214T>A), located in coding exon 1 of the SAMD9 gene, results from a T to A substitution at nucleotide position 4214. The valine at codon 1405 is replaced by glutamic acid, an amino acid with dissimilar properties. This amino acid position is conserved. In addition, this alteration is predicted to be tolerated by in silico analysis. Based on the available evidence, the clinical significance of this variant remains unclear.